The following is an entry in ClinVar:

NM_003978.5(PSTPIP1):c.947A>G (p.His316Arg)

Gene: PSTPIP1 (proline-serine-threonine phosphatase interacting protein 1; plus strand). Cytogenetic location: 15q24.3.
Variant type: single nucleotide variant.
Coding change: c.947A>G on transcript NM_003978.5 (MANE Select); coding-DNA position 947, A replaced by G.
Protein change: p.His316Arg; replaces histidine 316 with arginine.
Molecular consequence: missense variant. On other transcripts: non-coding transcript variant (1).
Genome position (GRCh38, 1-based): chr15:77,035,525, A>G. VCF-style: chr15-77035525-A-G. GRCh37 (hg19) VCF-style: chr15-77327866-A-G.
Other names: c.890A>G, p.His297Arg (NM_001321135.2); c.920A>G, p.His307Arg (NM_001321136.2); c.1142A>G, p.His381Arg (NM_001321137.1); c.947A>G, p.His316Arg (NM_001411086.1); short protein forms H297R, H316R, H381R, H307R.
Identifiers: ClinVar variation 2140631 (VCV002140631.4), dbSNP rs2542886806, ClinGen allele CA393521553.

ClinVar aggregate classification (germline): Uncertain significance (1 of 4 stars; one submission).

Conditions:
Pyogenic arthritis-pyoderma gangrenosum-acne syndrome (PAPA). Also called: PAPA SYNDROME; FAMILIAL RECURRENT ARTHRITIS. Identifiers: Orphanet 69126, MedGen C1858361, MONDO:0011462, OMIM 604416.

Allele frequency attached by ClinVar (database versions not stated): gnomAD exomes below 0.00001.
gnomAD v4.1: 2 of 1,592,762 alleles (0.00013%); highest among the groups gnomAD compares: Middle Eastern, 0.017%; no homozygotes.

Submission:

Labcorp Genetics (formerly Invitae), Labcorp
Classification: Uncertain significance for Pyogenic arthritis-pyoderma gangrenosum-acne syndrome. Last evaluated: 2022-07-03. Review status: criteria provided, single submitter. Criteria: Invitae Variant Classification Sherloc (09022015). Collection method: clinical testing. Allele origin: germline.
Comment: In summary, the available evidence is currently insufficient to determine the role of this variant in disease. Therefore, it has been classified as a Variant of Uncertain Significance. Algorithms developed to predict the effect of missense changes on protein structure and function (SIFT, PolyPhen-2, Align-GVGD) all suggest that this variant is likely to be tolerated. This variant has not been reported in the literature in individuals affected with PSTPIP1-related conditions. This variant is not present in population databases (gnomAD no frequency). This sequence change replaces histidine, which is basic and polar, with arginine, which is basic and polar, at codon 316 of the PSTPIP1 protein (p.His316Arg).